The following is an entry in ClinVar:

ClinVar aggregate classification (germline): Uncertain significance. Review status: criteria provided, multiple submitters, no conflicts (2 of 4 stars). 3 submissions from 3 submitters: Uncertain significance (3). Last evaluated 2024-12-29.

Conditions:
Cardiovascular phenotype. Identifiers: MedGen CN230736.
Long QT syndrome 6 (LQT6). Identifiers: Orphanet 101016, Orphanet 768, MedGen C3150953, MONDO:0013370, OMIM 613693.

Allele frequency attached by ClinVar (database versions not stated): ExAC 0.00002; gnomAD exomes 0.00002; TOPMed 0.00002; gnomAD 0.00003 and 0.00004.

Submissions (3):

Ambry Genetics
Classification: Uncertain significance for Cardiovascular phenotype. Last evaluated: 2024-12-29. Review status: criteria provided, single submitter. Criteria: Ambry Variant Classification Scheme 2023. Collection method: clinical testing. Allele origin: germline.
Comment: The p.R16* variant (also known as c.46C>T), located in coding exon 1 of the KCNE2 gene, results from a C to T substitution at nucleotide position 46. This changes the amino acid from an arginine to a stop codon within coding exon 1. This alteration is expected to result in protein truncation or nonsense-mediated mRNA decay. However, loss of function of KCNE2 has not been established as a mechanism of disease. The evidence for this gene-disease relationship is limited; therefore, the clinical significance of this alteration is unclear.

Labcorp Genetics (formerly Invitae), Labcorp
Classification: Uncertain significance for Long QT syndrome 6. Last evaluated: 2022-03-19. Review status: criteria provided, single submitter. Criteria: Invitae Variant Classification Sherloc (09022015). Collection method: clinical testing. Allele origin: germline.
Comment: This sequence change creates a premature translational stop signal (p.Arg16*) in the KCNE2 gene. While this is not anticipated to result in nonsense mediated decay, it is expected to disrupt the last 108 amino acid(s) of the KCNE2 protein. This variant is present in population databases (rs779306606, gnomAD 0.006%). This variant has not been reported in the literature in individuals affected with KCNE2-related conditions. ClinVar contains an entry for this variant (Variation ID: 1014862). Experimental studies and prediction algorithms are not available or were not evaluated, and the functional significance of this variant is currently unknown. In summary, the available evidence is currently insufficient to determine the role of this variant in disease. Therefore, it has been classified as a Variant of Uncertain Significance.

GeneDx
Classification: Uncertain significance. Last evaluated: 2019-12-26. Review status: criteria provided, single submitter. Criteria: GeneDx Variant Classification Process June 2021. Collection method: clinical testing. Allele origin: germline. Affected: yes.
Comment: Has not been previously published as pathogenic or benign to our knowledge; Nonsense variant predicted to result in protein truncation or nonsense mediated decay in a gene for which loss-of-function is not a known mechanism of disease

NM_172201.2(KCNE2):c.46C>T (p.Arg16Ter)

Genes: KCNE2 (potassium voltage-gated channel subfamily E regulatory subunit 2; plus strand), LOC105372791 (uncharacterized LOC105372791; minus strand). Cytogenetic location: 21q22.11.
Variant type: single nucleotide variant.
Coding change: c.46C>T on transcript NM_172201.2 (MANE Select); coding-DNA position 46, C replaced by T.
Protein change: p.Arg16Ter; replaces arginine 16 with a stop codon.
Molecular consequence: nonsense.
Genome position (GRCh38, 1-based): chr21:34,370,524, C>T. VCF-style: chr21-34370524-C-T. GRCh37 (hg19) VCF-style: chr21-35742823-C-T.
Other names: short protein forms R16*.
Identifiers: ClinVar variation 1014862 (VCV001014862.8), dbSNP rs779306606, ClinGen allele CA10013392.